The following is an entry in ClinVar:

ClinVar aggregate classification (germline): Pathogenic (1 of 4 stars; one submission).

Submission:

Labcorp Genetics (formerly Invitae), Labcorp
Classification: Pathogenic. Last evaluated: 2022-05-06. Review status: criteria provided, single submitter. Criteria: Invitae Variant Classification Sherloc (09022015). Collection method: clinical testing. Allele origin: germline.
Comment: For these reasons, this variant has been classified as Pathogenic. This variant has not been reported in the literature in individuals affected with RAI1-related conditions. This variant is not present in population databases (gnomAD no frequency). This sequence change creates a premature translational stop signal (p.Val1601Trpfs*80) in the RAI1 gene. It is expected to result in an absent or disrupted protein product. Loss-of-function variants in RAI1 are known to be pathogenic (PMID: 21857958, 24715852).

Literature cited by the submitters: PubMed 21857958; PubMed 24715852.

NM_030665.4(RAI1):c.4801del (p.Val1601fs)

Gene: RAI1 (retinoic acid induced 1; plus strand). Cytogenetic location: 17p11.2.
Variant type: Deletion.
Coding change: c.4801del on transcript NM_030665.4 (MANE Select); coding-DNA position 4801, one base deleted (G; older notation c.4801delG).
Protein change: p.Val1601fs; shifts the reading frame from valine 1601.
Molecular consequence: frameshift variant.
Genome position (GRCh38, 1-based): chr17:17,797,749, G deleted; the last of 3 consecutive G bases (chr17:17,797,747-17,797,749); deleting any one gives the same sequence. VCF-style (leftmost placement, unchanged base first): chr17-17797746-CG-C. GRCh37 (hg19) VCF-style: chr17-17701060-CG-C.
Other names: short protein forms V1601fs.
Identifiers: ClinVar variation 2134698 (VCV002134698.4), dbSNP rs2543622432, ClinGen allele CA2580093389.